The following is an entry in ClinVar:

NM_001254.4(CDC6):c.93T>A (p.Asp31Glu)

Gene: CDC6 (cell division cycle 6; plus strand). Cytogenetic location: 17q21.2.
Variant type: single nucleotide variant.
Coding change: c.93T>A on transcript NM_001254.4 (MANE Select); coding-DNA position 93, T replaced by A.
Protein change: p.Asp31Glu; replaces aspartic acid 31 with glutamic acid.
Molecular consequence: missense variant.
Genome position (GRCh38, 1-based): chr17:40,289,513, T>A. VCF-style: chr17-40289513-T-A. GRCh37 (hg19) VCF-style: chr17-38445765-T-A.
Other names: short protein forms D31E.
Identifiers: ClinVar variation 2954792 (VCV002954792.3), dbSNP rs1291610876, ClinGen allele CA399325031.

ClinVar aggregate classification (germline): Uncertain significance (1 of 4 stars; one submission).

Allele frequency attached by ClinVar (database versions not stated): TOPMed 0.00001.
gnomAD v4.1: 14 of 1,614,038 alleles (0.00087%); highest among the groups gnomAD compares: Non-Finnish European, 0.001%; no homozygotes.

Submission:

Labcorp Genetics (formerly Invitae), Labcorp
Classification: Uncertain significance. Last evaluated: 2023-06-18. Review status: criteria provided, single submitter. Criteria: Invitae Variant Classification Sherloc (09022015). Collection method: clinical testing. Allele origin: germline.
Comment: An algorithm developed to predict the effect of missense changes on protein structure and function (PolyPhen-2) suggests that this variant is likely to be tolerated. In summary, the available evidence is currently insufficient to determine the role of this variant in disease. Therefore, it has been classified as a Variant of Uncertain Significance. This variant has not been reported in the literature in individuals affected with CDC6-related conditions. This variant is present in population databases (no rsID available, gnomAD 0.007%). This sequence change replaces aspartic acid, which is acidic and polar, with glutamic acid, which is acidic and polar, at codon 31 of the CDC6 protein (p.Asp31Glu).